The following is an entry in ClinVar:

NM_000269.3(NME1):c.-5+600C>G

Genes: NME1 (NME/NM23 nucleoside diphosphate kinase 1; plus strand), NME1-NME2 (NME1-NME2 readthrough; plus strand). Cytogenetic location: 17q21.33.
Variant type: single nucleotide variant.
Coding change: c.-5+600C>G on transcript NM_000269.3 (MANE Select); 600 bases into the intron after 5 bases upstream of the start codon, C replaced by G.
Molecular consequence: intron variant. On other transcripts: 5 prime UTR variant (1), non-coding transcript variant (1).
Genome position (GRCh38, 1-based): chr17:51,154,262, C>G. VCF-style: chr17-51154262-C-G. GRCh37 (hg19) VCF-style: chr17-49231623-C-G.
Other names: c.-112C>G (NM_198175.1); c.-5+600C>G (NM_001018136.3).
Identifiers: ClinVar variation 2688272 (VCV002688272.2), dbSNP rs34431255, ClinGen allele CA15891074.

ClinVar aggregate classification (germline): Benign (1 of 4 stars; one submission).

Allele frequency attached by ClinVar (database versions not stated): 1000 Genomes Project 30x 0.36118; 1000 Genomes Project 0.36282; gnomAD 0.38513; TOPMed 0.39117.
gnomAD v4.1: 365,924 of 945,918 alleles (39%); highest among the groups gnomAD compares: Middle Eastern, 43%; 71,543 homozygotes.

Submission:

Unidad de Genómica Garrahan, Hospital de Pediatría Garrahan
Classification: Benign. Last evaluated: 2024-01-24. Review status: criteria provided, single submitter. Criteria: ACMG Guidelines, 2015. Collection method: clinical testing. Allele origin: germline. Affected: no. Observed: 26 variant alleles.
Comment: This variant is classified as Benign based on local population frequency. This variant was detected in 27% of patients studied by a panel of primary immunodeficiencies. Number of patients: 26. Only high quality variants are reported.